The following is an entry in ClinVar:

NM_024079.5(ALG8):c.478+1G>A

Gene: ALG8 (ALG8 alpha-1,3-glucosyltransferase; minus strand). Cytogenetic location: 11q14.1.
Variant type: single nucleotide variant.
Coding change: c.478+1G>A on transcript NM_024079.5 (MANE Select); the canonical splice donor site of the intron after coding-DNA position 478, G replaced by A.
Molecular consequence: splice donor variant.
Genome position (GRCh38, 1-based): chr11:78,121,064, C>T on the plus strand (G>A on the coding strand, the complement: ALG8 is on the minus strand). VCF-style: chr11-78121064-C-T. GRCh37 (hg19) VCF-style: chr11-77832110-C-T.
Other names: c.478+1G>A (NM_001007027.3).
Identifiers: ClinVar variation 489384 (VCV000489384.29), dbSNP rs139832787, ClinGen allele CA6203472.

ClinVar aggregate classification (germline): Conflicting classifications of pathogenicity. Review status: criteria provided, conflicting classifications (1 of 4 stars). 10 submissions from 10 submitters: Likely pathogenic (6); Uncertain significance (4). Last evaluated 2026-06-09.

Conditions:
ALG8-related disorder.
Polycystic liver disease 3 with or without kidney cysts. Identifiers: MedGen C4693472, MONDO:0054743, OMIM 617874.
ALG8 congenital disorder of glycosylation. Also called: CONGENITAL DISORDER OF GLYCOSYLATION, TYPE Ih; CDG Ih; ALG8-CDG. Identifiers: Orphanet 79325, MedGen C2931002, MONDO:0011969, OMIM 608104.

Allele frequency attached by ClinVar (database versions not stated): gnomAD exomes 0.00017; ExAC 0.00018; 1000 Genomes Project 30x 0.00031; 1000 Genomes Project 0.00040; TOPMed 0.00047; gnomAD 0.00048 and 0.00052; ESP Exome Variant Server 0.00054.
gnomAD v4.1: 331 of 1,606,784 alleles (0.021%); highest among the groups gnomAD compares: African/African-American, 0.1%; no homozygotes.

Submissions (10):

PreventionGenetics, part of Exact Sciences
Classification: Likely pathogenic for ALG8-related condition. Last evaluated: 2026-06-09. Review status: criteria provided, single submitter. Criteria: ACMG Guidelines, 2015. Collection method: clinical testing. Allele origin: germline.
Comment: The ALG8 c.478+1G>A variant is predicted to disrupt the GT donor site and interfere with normal splicing. This variant has been reported in a large cohort of individuals with cardiovascular disease phenotypes (Table S1, Glicksberg et al. 2019. PubMed ID: 31345219). To our knowledge, however, this variant has not been reported in individuals with kidney or liver cysts in the literature. Variants that disrupt the consensus splice donor site in ALG8 are expected to be pathogenic for autosomal recessive congenital disorder of glycosylation type Ih (OMIM #608104) and autosomal dominant polycystic liver disease with or without kidney cysts. This variant is reported in 0.10% of alleles in individuals of African descent in gnomAD. This variant is interpreted as likely pathogenic for both autosomal recessive congenital disorder of glycosylation and autosomal dominant polycystic liver disease with or without kidney cysts.

Labcorp Genetics (formerly Invitae), Labcorp
Classification: Likely pathogenic for ALG8 congenital disorder of glycosylation. Last evaluated: 2026-01-06. Review status: criteria provided, single submitter. Criteria: Invitae Variant Classification Sherloc (09022015). Collection method: clinical testing. Allele origin: germline.
Comment: This sequence change affects a donor splice site in intron 4 of the ALG8 gene. It is expected to disrupt RNA splicing. Variants that disrupt the donor or acceptor splice site typically lead to a loss of protein function (PMID: 16199547), and loss-of-function variants in ALG8 are known to be pathogenic (PMID: 19862844). This variant is present in population databases (rs139832787, gnomAD 0.1%). This variant has not been reported in the literature in individuals affected with ALG8-related conditions. ClinVar contains an entry for this variant (Variation ID: 489384). Algorithms developed to predict the effect of sequence changes on RNA splicing suggest that this variant may disrupt the consensus splice site. In summary, the currently available evidence indicates that the variant is pathogenic, but additional data are needed to prove that conclusively. Therefore, this variant has been classified as Likely Pathogenic.

Mayo Clinic Laboratories, Mayo Clinic
Classification: Uncertain significance. Last evaluated: 2025-06-13. Review status: criteria provided, single submitter. Criteria: ACMG Guidelines, 2015. Collection method: clinical testing. Allele origin: germline. Observed: 1 variant allele.
Comment: PVS1

First Genomix Gene Laboratory, Genetic Diagnostics Department
Classification: Likely pathogenic for ALG8 congenital disorder of glycosylation. Last evaluated: 2025-01-06. Review status: criteria provided, single submitter. Criteria: ACMG Guidelines, 2015. Collection method: clinical testing. Allele origin: germline. Inheritance: Autosomal recessive inheritance. Affected: no. Observed: 1 variant allele.

Fulgent Genetics
Classification: Uncertain significance for ALG8 congenital disorder of glycosylation; Polycystic liver disease 3 with or without kidney cysts. Last evaluated: 2024-05-21. Review status: criteria provided, single submitter. Criteria: ACMG Guidelines, 2015. Collection method: clinical testing. Allele origin: germline.

GeneDx
Classification: Uncertain significance. Last evaluated: 2024-05-09. Review status: criteria provided, single submitter. Criteria: GeneDx Variant Classification Process June 2021. Collection method: clinical testing. Allele origin: germline. Affected: yes.
Comment: Identified in a cohort of individuals with cardiovascular disease, but no additional clinical information was provided (PMID: 31345219); Canonical splice site variant predicted to result in a null allele in a gene for which loss of function is a known mechanism of disease; This variant is associated with the following publications: (PMID: 31345219)

Revvity Omics, Revvity
Classification: Likely pathogenic. Last evaluated: 2022-04-18. Review status: criteria provided, single submitter. Criteria: ACMG Guidelines, 2015. Collection method: clinical testing. Allele origin: germline.

Greenwood Genetic Center Diagnostic Laboratories, Greenwood Genetic Center
Classification: Uncertain significance. Last evaluated: 2021-07-23. Review status: criteria provided, single submitter. Criteria: ACMG Guidelines, 2015. Collection method: clinical testing. Allele origin: germline. Affected: yes.
Comment: the same text as in the submission from Mayo Clinic Laboratories, Mayo Clinic above.

Baylor Genetics
Classification: Likely pathogenic for ALG8 congenital disorder of glycosylation. Review status: criteria provided, single submitter. Criteria: ACMG Guidelines, 2015. Collection method: clinical testing. Allele origin: unknown.

Juno Genomics, Hangzhou Juno Genomics, Inc
Classification: Likely pathogenic for ALG8 congenital disorder of glycosylation. Review status: criteria provided, single submitter. Criteria: ACMG Guidelines, 2015. Collection method: clinical testing. Allele origin: germline.
Comment: Absent from controls (or at extremely low frequency if recessive) in Genome Aggregation Database.;Null variant in a gene where loss of function (LOF) is a known mechanism of disease.

Literature cited by the submitters: PubMed 16199547 (cited by Labcorp Genetics (formerly Invitae), Labcorp); PubMed 19862844 (cited by Labcorp Genetics (formerly Invitae), Labcorp); PubMed 31345219 (cited by Mayo Clinic Laboratories, Mayo Clinic).